The following is an entry in ClinVar:

NM_024715.4(TXNDC15):c.691_726dup (p.Phe242_Leu243insAsnSerLeuProArgAlaPheProAlaLeuHisPhe)

Gene: TXNDC15 (thioredoxin domain containing 15; plus strand). Cytogenetic location: 5q31.1.
Variant type: Duplication.
Coding change: c.691_726dup on transcript NM_024715.4 (MANE Select); coding-DNA positions 691 to 726, 36 bases duplicated.
Protein change: p.Phe242_Leu243insAsnSerLeuProArgAlaPheProAlaLeuHisPhe.
Molecular consequence: inframe insertion.
Genome position (GRCh38, 1-based): chr5:134,893,591-134,893,626, 36 bases duplicated; duplicating any 36 consecutive bases within chr5:134,893,584-134,893,626 gives the same sequence; the c. name uses the placement nearest the transcript's 3' end. GRCh37 (hg19): chr5:134,229,281-134,229,316.
Other names: c.487_522dup, p.Phe174_Leu175insAsnSerLeuProArgAlaPheProAlaLeuHisPhe (NM_001350735.2).
Identifiers: ClinVar variation 1965900 (VCV001965900.5), dbSNP rs748348646, ClinGen allele CA3416911.

ClinVar aggregate classification (germline): Uncertain significance (1 of 4 stars; one submission).

Submission:

Labcorp Genetics (formerly Invitae), Labcorp
Classification: Uncertain significance. Last evaluated: 2023-11-14. Review status: criteria provided, single submitter. Criteria: Invitae Variant Classification Sherloc (09022015). Collection method: clinical testing. Allele origin: germline.
Comment: This variant, c.691_726dup, results in the insertion of 12 amino acid(s) of the TXNDC15 protein (p.Asn231_Phe242dup), but otherwise preserves the integrity of the reading frame. This variant is present in population databases (rs748348646, gnomAD 0.03%). This variant has not been reported in the literature in individuals affected with TXNDC15-related conditions. ClinVar contains an entry for this variant (Variation ID: 1965900). In summary, the available evidence is currently insufficient to determine the role of this variant in disease. Therefore, it has been classified as a Variant of Uncertain Significance.